The following is an entry in ClinVar:

ClinVar aggregate classification (germline): Uncertain significance. Review status: criteria provided, multiple submitters, no conflicts (2 of 4 stars). 5 submissions from 5 submitters: Uncertain significance (5). Last evaluated 2025-04-16.

Conditions:
Hereditary cancer-predisposing syndrome. Also called: Hereditary Cancer Syndrome; Hereditary neoplastic syndrome; Neoplastic Syndromes, Hereditary; Tumor predisposition. Identifiers: Orphanet 140162, MedGen C0027672, MeSH D009386, MONDO:0015356.
Hereditary nonpolyposis colorectal neoplasms. Identifiers: MedGen C0009405, MeSH D003123.

Allele frequency attached by ClinVar (database versions not stated): ExAC 0.00001.

Submissions (5):

Ambry Genetics
Classification: Uncertain significance for Hereditary cancer-predisposing syndrome. Last evaluated: 2025-04-16. Review status: criteria provided, single submitter. Criteria: Ambry Variant Classification Scheme 2023. Collection method: clinical testing. Allele origin: germline.
Comment: The p.F746L variant (also known as c.2236T>C), located in coding exon 13 of the PMS2 gene, results from a T to C substitution at nucleotide position 2236. The phenylalanine at codon 746 is replaced by leucine, an amino acid with highly similar properties. This amino acid position is conserved. In addition, this alteration is predicted to be deleterious by in silico analysis. Since supporting evidence is limited at this time, the clinical significance of this alteration remains unclear.

Color Diagnostics, LLC DBA Color Health
Classification: Uncertain significance for Hereditary cancer-predisposing syndrome. Last evaluated: 2025-01-15. Review status: criteria provided, single submitter. Criteria: ACMG Guidelines, 2015. Collection method: clinical testing. Allele origin: germline.
Comment: This missense variant replaces phenylalanine with leucine at codon 746 of the PMS2 protein. Computational prediction is inconclusive regarding the impact of this variant on protein structure and function. To our knowledge, functional studies have not been reported for this variant. This variant has not been reported in individuals affected with PMS2-related disorders in the literature. This variant has been identified in 1/249640 chromosomes in the general population by the Genome Aggregation Database (gnomAD). The available evidence is insufficient to determine the role of this variant in disease conclusively. Therefore, this variant is classified as a Variant of Uncertain Significance.

Women's Health and Genetics/Laboratory Corporation of America, LabCorp
Classification: Uncertain significance. Last evaluated: 2024-08-17. Review status: criteria provided, single submitter. Criteria: LabCorp Variant Classification Summary - May 2015. Collection method: clinical testing. Allele origin: germline.

Labcorp Genetics (formerly Invitae), Labcorp
Classification: Uncertain significance for Hereditary nonpolyposis colorectal neoplasms. Last evaluated: 2022-06-25. Review status: criteria provided, single submitter. Criteria: Invitae Variant Classification Sherloc (09022015). Collection method: clinical testing. Allele origin: germline.
Comment: This sequence change replaces phenylalanine, which is neutral and non-polar, with leucine, which is neutral and non-polar, at codon 746 of the PMS2 protein (p.Phe746Leu). The frequency data for this variant in the population databases (gnomAD) is considered unreliable due to the presence of homologous sequence, such as pseudogenes or paralogs, in the genome. This variant has not been reported in the literature in individuals affected with PMS2-related conditions. Advanced modeling of protein sequence and biophysical properties (such as structural, functional, and spatial information, amino acid conservation, physicochemical variation, residue mobility, and thermodynamic stability) performed at Invitae indicates that this missense variant is not expected to disrupt PMS2 protein function. In summary, the available evidence is currently insufficient to determine the role of this variant in disease. Therefore, it has been classified as a Variant of Uncertain Significance.

Blueprint Genetics
Classification: Uncertain significance. Last evaluated: 2019-05-17. Review status: criteria provided, single submitter. Criteria: ACMG Guidelines, 2015. Collection method: clinical testing. Allele origin: germline.

NM_000535.7(PMS2):c.2236T>C (p.Phe746Leu)

Gene: PMS2 (PMS1 homolog 2, mismatch repair system component; minus strand). Cytogenetic location: 7p22.1.
Variant type: single nucleotide variant.
Coding change: c.2236T>C on transcript NM_000535.7 (MANE Select); coding-DNA position 2236, T replaced by C.
Protein change: p.Phe746Leu; replaces phenylalanine 746 with leucine.
Molecular consequence: missense variant. On other transcripts: non-coding transcript variant (1).
Genome position (GRCh38, 1-based): chr7:5,978,635, A>G on the plus strand (T>C on the coding strand, the complement: PMS2 is on the minus strand). VCF-style: chr7-5978635-A-G. GRCh37 (hg19) VCF-style: chr7-6018266-A-G.
Other names: c.1831T>C, p.Phe611Leu (NM_001018040.1, NM_001322003.2, NM_001322004.2 and 15 more transcripts); c.2080T>C, p.Phe694Leu (NM_001322006.2, NM_001406870.1); c.1918T>C, p.Phe640Leu (NM_001322007.2, NM_001322008.2, NM_001406876.1 and 1 more transcripts); c.1675T>C, p.Phe559Leu (NM_001322010.2, NM_001406906.1, NM_001406907.1); c.1303T>C, p.Phe435Leu (NM_001322011.2, NM_001322012.2); c.1663T>C, p.Phe555Leu (NM_001322013.2, NM_001406908.1, NM_001406909.1); c.2236T>C, p.Phe746Leu (NM_001322014.2); c.1927T>C, p.Phe643Leu (NM_001322015.2, NM_001406875.1, NM_001406877.1 and 5 more transcripts); and 14 more; short protein forms F591L, F611L, F640L, F690L, F710L, F746L, F575L, F624L.
Identifiers: ClinVar variation 1788199 (VCV001788199.12), dbSNP rs753535192, ClinGen allele CA047125.
Genomic context (GRCh38, chr7:5,978,635, plus strand): 5'-TAGTTCTAATTAATAACTTACCATTTTCATCGATAACAAAATCAAAGCCATTCTTTCTAA[A>G]TATTTCCAGATTTTCTATCAGAACAGCTTCATTAACAGCAGTTAAGTTGAGAGTCTGAGG-3'
Protein context (NP_000526.2, residues 736-756): EAVLIENLEI[Phe746Leu]RKNGFDFVID